The following is an entry in ClinVar:

ClinVar aggregate classification (germline): Uncertain significance (1 of 4 stars; one submission).

Submission:

Labcorp Genetics (formerly Invitae), Labcorp
Classification: Uncertain significance. Last evaluated: 2023-04-06. Review status: criteria provided, single submitter. Criteria: Invitae Variant Classification Sherloc (09022015). Collection method: clinical testing. Allele origin: germline.
Comment: This sequence change replaces isoleucine, which is neutral and non-polar, with phenylalanine, which is neutral and non-polar, at codon 596 of the LZTS1 protein (p.Ile596Phe). This variant is not present in population databases (gnomAD no frequency). This variant has not been reported in the literature in individuals affected with LZTS1-related conditions. An algorithm developed to predict the effect of missense changes on protein structure and function (PolyPhen-2) suggests that this variant is likely to be disruptive. In summary, the available evidence is currently insufficient to determine the role of this variant in disease. Therefore, it has been classified as a Variant of Uncertain Significance.

NM_021020.5(LZTS1):c.1786A>T (p.Ile596Phe)

Gene: LZTS1 (leucine zipper tumor suppressor 1; minus strand). Cytogenetic location: 8p21.3.
Variant type: single nucleotide variant.
Coding change: c.1786A>T on transcript NM_021020.5 (MANE Select); coding-DNA position 1786, A replaced by T.
Protein change: p.Ile596Phe; replaces isoleucine 596 with phenylalanine.
Molecular consequence: missense variant.
Genome position (GRCh38, 1-based): chr8:20,249,727, T>A on the plus strand (A>T on the coding strand, the complement: LZTS1 is on the minus strand). VCF-style: chr8-20249727-T-A. GRCh37 (hg19) VCF-style: chr8-20107238-T-A.
Other names: c.1786A>T, p.Ile596Phe (NM_001362884.2); short protein forms I596F.
Identifiers: ClinVar variation 2852918 (VCV002852918.3), dbSNP rs1249810026, ClinGen allele CA370475130.